The following is an entry in ClinVar:

ClinVar aggregate classification (germline): Uncertain significance (1 of 4 stars; one submission).

Conditions:
Hereditary cancer-predisposing syndrome. Also called: Tumor predisposition; Hereditary neoplastic syndrome; Hereditary Cancer Syndrome; Neoplastic Syndromes, Hereditary. Identifiers: Orphanet 140162, MedGen C0027672, MeSH D009386, MONDO:0015356.

Submission:

Labcorp Genetics (formerly Invitae), Labcorp
Classification: Uncertain significance for Hereditary cancer-predisposing syndrome. Last evaluated: 2024-07-08. Review status: criteria provided, single submitter. Criteria: Invitae Variant Classification Sherloc (09022015). Collection method: clinical testing. Allele origin: germline.
Comment: This sequence change replaces glutamic acid, which is acidic and polar, with lysine, which is basic and polar, at codon 1298 of the RAD50 protein (p.Glu1298Lys). This variant is not present in population databases (gnomAD no frequency). This variant has not been reported in the literature in individuals affected with RAD50-related conditions. ClinVar contains an entry for this variant (Variation ID: 1051703). Advanced modeling of protein sequence and biophysical properties (such as structural, functional, and spatial information, amino acid conservation, physicochemical variation, residue mobility, and thermodynamic stability) performed at Invitae indicates that this missense variant is not expected to disrupt RAD50 protein function with a negative predictive value of 80%. In summary, the available evidence is currently insufficient to determine the role of this variant in disease. Therefore, it has been classified as a Variant of Uncertain Significance.

NM_005732.4(RAD50):c.3892G>A (p.Glu1298Lys)

Genes: TH2LCRR (T helper type 2 locus control region associated RNA; minus strand), RAD50 (RAD50 double strand break repair protein; plus strand). Cytogenetic location: 5q31.1.
Variant type: single nucleotide variant.
Coding change: c.3892G>A on transcript NM_005732.4 (MANE Select); coding-DNA position 3892, G replaced by A.
Protein change: p.Glu1298Lys; replaces glutamic acid 1298 with lysine.
Molecular consequence: missense variant.
Genome position (GRCh38, 1-based): chr5:132,642,317, G>A. VCF-style: chr5-132642317-G-A. GRCh37 (hg19) VCF-style: chr5-131978009-G-A.
Other names: short protein forms E1298K.
Identifiers: ClinVar variation 1051703 (VCV001051703.9), dbSNP rs1422137796, ClinGen allele CA360937271.